The following is an entry in ClinVar:

NM_001267550.2(TTN):c.76051T>C (p.Trp25351Arg)

Genes: TTN (titin; minus strand), TTN-AS1 (TTN antisense RNA 1; plus strand). Cytogenetic location: 2q31.2.
Variant type: single nucleotide variant.
Coding change: c.76051T>C on transcript NM_001267550.2 (MANE Select); coding-DNA position 76051, T replaced by C.
Protein change: p.Trp25351Arg; replaces tryptophan 25351 with arginine.
Molecular consequence: missense variant.
Genome position (GRCh38, 1-based): chr2:178,570,081, A>G on the plus strand (T>C on the coding strand, the complement: TTN is on the minus strand). VCF-style: chr2-178570081-A-G. GRCh37 (hg19) VCF-style: chr2-179434808-A-G.
Other names: p.Trp23710Arg; c.76051T>C (NM_001267550.1); c.71128T>C, p.Trp23710Arg (NM_001256850.1); c.48856T>C, p.Trp16286Arg (NM_003319.4); c.68347T>C, p.Trp22783Arg (NM_133378.4); c.49231T>C, p.Trp16411Arg (NM_133432.3); c.49432T>C, p.Trp16478Arg (NM_133437.4); short protein forms W16286R, W25351R, W22783R, W23710R, W16411R, W16478R.
Identifiers: ClinVar variation 518942 (VCV000518942.19), dbSNP rs201839118, ClinGen allele CA1989959.

ClinVar aggregate classification (germline): Conflicting classifications of pathogenicity. Review status: criteria provided, conflicting classifications (1 of 4 stars). 7 submissions from 7 submitters: Uncertain significance (5); Likely benign (2). Last evaluated 2026-08-25.

Conditions:
Cardiovascular phenotype. Identifiers: MedGen CN230736.
TTN-related disorder. Also called: TTN-related condition; TTN-related disease; TTN-related disorders.

Allele frequency attached by ClinVar (database versions not stated): ExAC 0.00003; gnomAD 0.00004 and 0.00005; gnomAD exomes 0.00004 and 0.00013; TOPMed 0.00007; ESP Exome Variant Server 0.00016.
gnomAD v4.1: 208 of 1,613,328 alleles (0.013%); highest among the groups gnomAD compares: Non-Finnish European, 0.016%; no homozygotes.

Submissions (7):

PreventionGenetics, part of Exact Sciences
Classification: Uncertain significance for TTN-related condition. Last evaluated: 2026-08-25. Review status: criteria provided, single submitter. Criteria: ACMG Guidelines, 2015. Collection method: clinical testing. Allele origin: germline.
Comment: The TTN c.76051T>C variant is predicted to result in the amino acid substitution p.Trp25351Arg. This variant has been reported in an individual with dilated cardiomyopathy (Table S3, Mazzarotto et al. 2020. PubMed ID: 31983221). This variant is reported in 0.0094% of alleles in individuals of European (Non-Finnish) descent in gnomAD. Although we suspect that this variant may be benign, at this time, the clinical significance of this variant is uncertain due to the absence of conclusive functional and genetic evidence.

CeGaT Center for Human Genetics Tuebingen
Classification: Uncertain significance. Last evaluated: 2026-07-01. Review status: criteria provided, single submitter. Criteria: CeGaT Center For Human Genetics Tuebingen Variant Classification Criteria Version 2. Collection method: clinical testing. Allele origin: germline. Affected: yes. Observed: 2 variant alleles.
Comment: TTN: PM2, PP3

Mayo Clinic Laboratories, Mayo Clinic
Classification: Uncertain significance. Last evaluated: 2025-09-16. Review status: criteria provided, single submitter. Criteria: ACMG Guidelines, 2015. Collection method: clinical testing. Allele origin: germline. Observed: 2 variant alleles.

Revvity Omics, Revvity
Classification: Uncertain significance. Last evaluated: 2025-05-09. Review status: criteria provided, single submitter. Criteria: ACMG Guidelines, 2015. Collection method: clinical testing. Allele origin: germline.

Blueprint Genetics
Classification: Likely benign. Last evaluated: 2023-03-24. Review status: criteria provided, single submitter. Criteria: ACMG Guidelines, 2015. Collection method: clinical testing. Allele origin: germline.

GeneDx
Classification: Likely benign. Last evaluated: 2021-06-03. Review status: criteria provided, single submitter. Criteria: GeneDx Variant Classification Process June 2021. Collection method: clinical testing. Allele origin: germline. Affected: yes.
Comment: See Variant Classification Assertion Criteria.

Ambry Genetics
Classification: Uncertain significance for Cardiovascular phenotype. Last evaluated: 2018-12-05. Review status: criteria provided, single submitter. Criteria: Ambry Variant Classification Scheme 2023. Collection method: clinical testing. Allele origin: germline.
Comment: The p.W16286R variant (also known as c.48856T>C), located in coding exon 153 of the TTN gene, results from a T to C substitution at nucleotide position 48856. The tryptophan at codon 16286 is replaced by arginine, an amino acid with dissimilar properties. This amino acid position is highly conserved in available vertebrate species. In addition, the in silico prediction for this alteration is inconclusive. Since supporting evidence is limited at this time, the clinical significance of this variant remains unclear.

Literature cited by the submitters: PubMed 31983221 (cited by Mayo Clinic Laboratories, Mayo Clinic).